The following is an entry in ClinVar:

NM_004415.4(DSP):c.5310T>G (p.Ile1770Met)

Gene: DSP (desmoplakin; plus strand). Cytogenetic location: 6p24.3.
Variant type: single nucleotide variant.
Coding change: c.5310T>G on transcript NM_004415.4 (MANE Select); coding-DNA position 5310, T replaced by G.
Protein change: p.Ile1770Met; replaces isoleucine 1770 with methionine.
Molecular consequence: missense variant. On other transcripts: intron variant (2).
Genome position (GRCh38, 1-based): chr6:7,581,500, T>G. VCF-style: chr6-7581500-T-G. GRCh37 (hg19) VCF-style: chr6-7581733-T-G.
Other names: c.4051-1142T>G (NM_001319034.2); c.3583-1142T>G (NM_001008844.3); short protein forms I1770M.
Identifiers: ClinVar variation 2453273 (VCV002453273.2), dbSNP rs2533932524, ClinGen allele CA362688310.
Genomic context (GRCh38, chr6:7,581,500, plus strand): 5'-GGAACTAAGGAGCCAGCTGCAGATCAGCAACAACCGGACCCTGGAACTGCAGGGGCTGAT[T>G]AATGATTTACAGAGAGAGAGGGAAAATTTGAGACAGGAAATTGAGAAATTCCAAAAGCAG-3'
Protein context (NP_004406.2, residues 1760-1780): NNRTLELQGL[Ile1770Met]NDLQRERENL

ClinVar aggregate classification (germline): Uncertain significance (1 of 4 stars; one submission).

Conditions:
Cardiovascular phenotype. Identifiers: MedGen CN230736.

Submission:

Ambry Genetics
Classification: Uncertain significance for Cardiovascular phenotype. Last evaluated: 2023-03-05. Review status: criteria provided, single submitter. Criteria: Ambry Variant Classification Scheme 2023. Collection method: clinical testing. Allele origin: germline.
Comment: The p.I1770M variant (also known as c.5310T>G), located in coding exon 23 of the DSP gene, results from a T to G substitution at nucleotide position 5310. The isoleucine at codon 1770 is replaced by methionine, an amino acid with highly similar properties. This amino acid position is conserved. In addition, the in silico prediction for this alteration is inconclusive. Since supporting evidence is limited at this time, the clinical significance of this alteration remains unclear.